The following is an entry in ClinVar:

NM_017613.4(DONSON):c.1588_1591del (p.Asn530fs)

Gene: DONSON (DNA replication fork stabilization factor DONSON; minus strand). Cytogenetic location: 21q22.11.
Variant type: Deletion.
Coding change: c.1588_1591del on transcript NM_017613.4 (MANE Select); coding-DNA positions 1588 to 1591, 4 bases deleted (AACT; older notation c.1588_1591delAACT).
Protein change: p.Asn530fs; shifts the reading frame from asparagine 530.
Molecular consequence: frameshift variant.
Genome position (GRCh38, 1-based): chr21:33,578,417-33,578,420, AGTT deleted on the plus strand (AACT on the coding strand, the reverse complement: DONSON is on the minus strand); deleting any 4 consecutive bases within chr21:33,578,417-33,578,423 gives the same sequence; the c. name uses the placement nearest the transcript's 3' end. VCF-style (leftmost placement, unchanged base first): chr21-33578416-CAGTT-C. GRCh37 (hg19) VCF-style: chr21-34950722-CAGTT-C.
Other names: short protein forms N530fs.
Identifiers: ClinVar variation 1418455 (VCV001418455.5), dbSNP rs1569073813, ClinGen allele CA637671554.

ClinVar aggregate classification (germline): Uncertain significance (1 of 4 stars; one submission).

Submission:

Labcorp Genetics (formerly Invitae), Labcorp
Classification: Uncertain significance. Last evaluated: 2022-10-17. Review status: criteria provided, single submitter. Criteria: Invitae Variant Classification Sherloc (09022015). Collection method: clinical testing. Allele origin: germline.
Comment: In summary, the available evidence is currently insufficient to determine the role of this variant in disease. Therefore, it has been classified as a Variant of Uncertain Significance. This variant disrupts a region of the DONSON protein in which other variant(s) (p.Pro545Leu) have been observed in individuals with DONSON-related conditions (PMID: 31784481). This suggests that this is a clinically significant region of the protein, and that variants that disrupt it are likely to be disease-causing. Experimental studies and prediction algorithms are not available or were not evaluated, and the functional significance of this variant is currently unknown. ClinVar contains an entry for this variant (Variation ID: 1418455). This variant has not been reported in the literature in individuals affected with DONSON-related conditions. This variant is present in population databases (no rsID available, gnomAD 0.0009%). This sequence change creates a premature translational stop signal (p.Asn530Valfs*27) in the DONSON gene. While this is not anticipated to result in nonsense mediated decay, it is expected to disrupt the last 37 amino acid(s) of the DONSON protein.

Literature cited by the submitters: PubMed 31784481.